The following is an entry in ClinVar:

ClinVar aggregate classification (germline): Pathogenic (1 of 4 stars; one submission).

Allele frequency attached by ClinVar (database versions not stated): gnomAD exomes below 0.00001; ExAC 0.00002.

Submission:

Labcorp Genetics (formerly Invitae), Labcorp
Classification: Pathogenic. Last evaluated: 2023-04-17. Review status: criteria provided, single submitter. Criteria: Invitae Variant Classification Sherloc (09022015). Collection method: clinical testing. Allele origin: germline.
Comment: This variant is present in population databases (rs747053796, gnomAD 0.003%). For these reasons, this variant has been classified as Pathogenic. This variant has not been reported in the literature in individuals affected with CEP152-related conditions. This sequence change creates a premature translational stop signal (p.Ala487Leufs*4) in the CEP152 gene. It is expected to result in an absent or disrupted protein product. Loss-of-function variants in CEP152 are known to be pathogenic (PMID: 21131973).

Literature cited by the submitters: PubMed 21131973.

NM_001194998.2(CEP152):c.1458del (p.Ala487fs)

Gene: CEP152 (centrosomal protein 152; minus strand). Cytogenetic location: 15q21.1.
Variant type: Deletion.
Coding change: c.1458del on transcript NM_001194998.2 (MANE Select); coding-DNA position 1458, one base deleted (T; older notation c.1458delT).
Protein change: p.Ala487fs; shifts the reading frame from alanine 487.
Molecular consequence: frameshift variant.
Genome position (GRCh38, 1-based): chr15:48,781,315, A deleted on the plus strand (T on the coding strand, the reverse complement: CEP152 is on the minus strand). VCF-style (leftmost placement, unchanged base first): chr15-48781314-CA-C. GRCh37 (hg19) VCF-style: chr15-49073511-CA-C.
Other names: c.1458del, p.Ala487fs (NM_014985.4); short protein forms A487fs.
Identifiers: ClinVar variation 2825091 (VCV002825091.3), dbSNP rs747053796, ClinGen allele CA7548834.
Genomic context (GRCh38, chr15:48,781,314, plus strand): 5'-CAGTGAGTTCTATATTTAATTCTCCTTCTGAGTCACTTGGATGTATTCCTAGTTTTGCAG[CA>C]GATTCATAGAGAGAAATTTCATCTTTTAGTTCTGTTAATTCTTCCTACAACACAAAATTA-3'